The following is an entry in ClinVar:

NM_145868.2(ANXA11):c.1393G>A (p.Asp465Asn)

Gene: ANXA11 (annexin A11; minus strand). Cytogenetic location: 10q22.3.
Variant type: single nucleotide variant.
Coding change: c.1393G>A on transcript NM_145868.2 (MANE Select); coding-DNA position 1393, G replaced by A.
Protein change: p.Asp465Asn; replaces aspartic acid 465 with asparagine.
Molecular consequence: missense variant.
Genome position (GRCh38, 1-based): chr10:80,157,706, C>T on the plus strand (G>A on the coding strand, the complement: ANXA11 is on the minus strand). VCF-style: chr10-80157706-C-T. GRCh37 (hg19) VCF-style: chr10-81917462-C-T.
Other names: c.1393G>A, p.Asp465Asn (NM_001157.3, NM_001278407.2, NM_001278408.2 and 1 more transcripts); c.1294G>A, p.Asp432Asn (NM_001278409.2); short protein forms D432N, D465N.
Identifiers: ClinVar variation 1954376 (VCV001954376.5), dbSNP rs142956872, ClinGen allele CA5575776.

ClinVar aggregate classification (germline): Uncertain significance (1 of 4 stars; one submission).

Allele frequency attached by ClinVar (database versions not stated): gnomAD exomes below 0.00001; ExAC 0.00001; gnomAD 0.00001; TOPMed 0.00002; ESP Exome Variant Server 0.00008.
gnomAD v4.1: 5 of 1,613,856 alleles (0.00031%); highest among the groups gnomAD compares: African/African-American, 0.0013%; no homozygotes.

Submission:

Labcorp Genetics (formerly Invitae), Labcorp
Classification: Uncertain significance. Last evaluated: 2023-11-14. Review status: criteria provided, single submitter. Criteria: Invitae Variant Classification Sherloc (09022015). Collection method: clinical testing. Allele origin: germline.
Comment: This sequence change replaces aspartic acid, which is acidic and polar, with asparagine, which is neutral and polar, at codon 465 of the ANXA11 protein (p.Asp465Asn). This variant is not present in population databases (gnomAD no frequency). This variant has not been reported in the literature in individuals affected with ANXA11-related conditions. ClinVar contains an entry for this variant (Variation ID: 1954376). An algorithm developed to predict the effect of missense changes on protein structure and function (PolyPhen-2) suggests that this variant is likely to be disruptive. In summary, the available evidence is currently insufficient to determine the role of this variant in disease. Therefore, it has been classified as a Variant of Uncertain Significance.